The following is an entry in ClinVar:

ClinVar aggregate classification (germline): Pathogenic (1 of 4 stars; one submission).

Submission:

Labcorp Genetics (formerly Invitae), Labcorp
Classification: Pathogenic. Last evaluated: 2024-01-29. Review status: criteria provided, single submitter. Criteria: Invitae Variant Classification Sherloc (09022015). Collection method: clinical testing. Allele origin: germline.
Comment: This sequence change creates a premature translational stop signal (p.Ile1506Hisfs*21) in the COL11A2 gene. It is expected to result in an absent or disrupted protein product. Loss-of-function variants in COL11A2 are known to be pathogenic (PMID: 10677296, 21204229). This variant is not present in population databases (gnomAD no frequency). This variant has not been reported in the literature in individuals affected with COL11A2-related conditions. For these reasons, this variant has been classified as Pathogenic.

Literature cited by the submitters: PubMed 10677296; PubMed 21204229.

NM_080680.3(COL11A2):c.4515dup (p.Ile1506fs)

Gene: COL11A2 (collagen type XI alpha 2 chain; minus strand). Cytogenetic location: 6p21.32.
Variant type: Duplication.
Coding change: c.4515dup on transcript NM_080680.3 (MANE Select); coding-DNA position 4515, one base duplicated (C; older notation c.4515dupC).
Protein change: p.Ile1506fs; shifts the reading frame from isoleucine 1506.
Molecular consequence: frameshift variant.
Genome position (GRCh38, 1-based): chr6:33,165,784, G duplicated on the plus strand (C on the coding strand, the reverse complement: COL11A2 is on the minus strand); the first of 3 consecutive G bases (chr6:33,165,784-33,165,786); duplicating any one gives the same sequence. VCF-style (leftmost placement, unchanged base first): chr6-33165783-T-TG. GRCh37 (hg19) VCF-style: chr6-33133560-T-TG.
Other names: c.4335dup, p.Ile1446fs (NM_001424108.1); c.3669dup, p.Ile1224fs (NM_001424109.1); c.3489dup, p.Ile1164fs (NM_001424110.1, NM_001424111.1); c.2469dup, p.Ile824fs (NM_001424112.1); c.4194dup, p.Ile1399fs (NM_080679.3); c.4257dup, p.Ile1420fs (NM_080681.3); short protein forms I1420fs, I1164fs, I1224fs, I1399fs, I1506fs, I1446fs, I824fs.
Identifiers: ClinVar variation 2713919 (VCV002713919.3), dbSNP rs2534465587, ClinGen allele CA2578581137.